The following is an entry in ClinVar:

ClinVar aggregate classification (germline): Likely benign. Review status: criteria provided, multiple submitters, no conflicts (2 of 4 stars). 2 submissions from 2 submitters: Likely benign (2). Last evaluated 2025-01-08.

Conditions:
USH1C-related disorder. Also called: USH1C-related condition.

Allele frequency attached by ClinVar (database versions not stated): gnomAD 0.00004 and 0.00006; gnomAD exomes 0.00006 and 0.00015; TOPMed 0.00006; ESP Exome Variant Server 0.00008; ExAC 0.00012; 1000 Genomes Project 30x 0.00016; 1000 Genomes Project 0.00020.
gnomAD v4.1: 95 of 1,601,768 alleles (0.0059%); highest among the groups gnomAD compares: East Asian, 0.085%; no homozygotes.

Submissions (2):

PreventionGenetics, part of Exact Sciences
Classification: Likely benign for USH1C-related condition. Last evaluated: 2025-01-08. Review status: criteria provided, single submitter. Criteria: ACMG Guidelines, 2015. Collection method: clinical testing. Allele origin: germline.
Comment: This variant is classified as likely benign based on ACMG/AMP sequence variant interpretation guidelines (Richards et al. 2015 PMID: 25741868, with internal and published modifications).

Labcorp Genetics (formerly Invitae), Labcorp
Classification: Likely benign. Last evaluated: 2018-10-02. Review status: criteria provided, single submitter. Criteria: Invitae Variant Classification Sherloc (09022015). Collection method: clinical testing. Allele origin: germline.

NM_153676.4(USH1C):c.1602C>T (p.Gly534=)

Gene: USH1C (USH1 protein network component harmonin; minus strand). Cytogenetic location: 11p15.1.
Variant type: single nucleotide variant.
Coding change: c.1602C>T on transcript NM_153676.4 (MANE Select); coding-DNA position 1602, C replaced by T.
Protein change: p.Gly534=; no amino-acid change (glycine 534 retained).
Molecular consequence: synonymous variant. On other transcripts: intron variant (2).
Genome position (GRCh38, 1-based): chr11:17,509,767, G>A on the plus strand (C>T on the coding strand, the complement: USH1C is on the minus strand). VCF-style: chr11-17509767-G-A. GRCh37 (hg19) VCF-style: chr11-17531314-G-A.
Other names: c.1227+7634C>T (NM_001297764.2); c.1284+7634C>T (NM_005709.4); c.1602C>T (NM_153676.3).
Identifiers: ClinVar variation 735439 (VCV000735439.10), dbSNP rs201945610, ClinGen allele CA5904492.